The following is an entry in ClinVar:

ClinVar aggregate classification (germline): Pathogenic (0 of 4 stars; one submission).

Conditions:
Malignant tumor of breast. Also called: Malignant breast neoplasm; Cancer breast. Identifiers: MedGen C0006142, MONDO:0007254. Disease mechanism: loss of function.

Submission:

Department of Pathology and Laboratory Medicine, Sinai Health System
Classification: Pathogenic for Malignant tumor of breast. Review status: no assertion criteria provided. Collection method: clinical testing. Allele origin: unknown. Affected: yes. Study: The Canadian Open Genetics Repository (COGR).
Comment: The c.4358-?_5277+?del deletion variant, or deletion of exons 14 through 20, is predicted to cause a frameshift and lead to a stop codon downstream (p.Ala1453AspfsX70), although the precise breakpoints of this deletion were not determined, nor was the resulting effect on the mRNA or protein product. Deletions of exons 14-20 were identified in the literature in 14 of 97844 proband chromosomes (frequency: 0.0001) from individuals or families referred for suspected hereditary breast or ovarian cancer (Evans 2003, Judkins 2012). This variant was also listed in the HGMD database. This alteration is predicted to result in a truncated or absent protein and loss of function. Loss of function variants of the BRCA1 gene are an established mechanism of disease in hereditary breast and ovarian cancer and is the type of variant expected to cause the disorder. In summary, based on the above information, this variant meets our laboratoryâ€šÃ„Ã´s criteria to be classified as pathogenic.

NM_007294.4(BRCA1):c.5194-836_5277+3del

Gene: BRCA1 (BRCA1 DNA repair associated; minus strand). Cytogenetic location: 17q21.31.
Variant type: Deletion.
Coding change: c.5194-836_5277+3del on transcript NM_007294.4 (MANE Select); 836 bases into the intron before coding-DNA position 5194 through 3 bases into the intron after coding-DNA position 5277, 923 bases deleted.
Molecular consequence: splice acceptor variant, splice donor variant.
Genome position (GRCh38, 1-based): chr17:43,057,049-43,057,971, 923 bases deleted. GRCh37 (hg19): chr17:41,209,066-41,209,988.
Other names: c.5047-836_5130+3del (NM_001407853.1, NM_001407847.1, NM_001407841.1 and 12 more transcripts); c.1756-836_1839+3del (NM_001408447.1, NM_001408445.1, NM_001408450.1 and 2 more transcripts); c.1618-836_1701+3del (NM_001408504.1, NM_001408502.1, NM_001408503.1); c.4858-836_4941+3del (NM_001407951.1, NM_001407952.1, NM_001407950.1 and 3 more transcripts); c.1741-836_1824+3del (NM_001408463.1, NM_001408462.1, NM_001408465.1 and 7 more transcripts); c.1759-836_1842+3del (NM_001408433.1, NM_001408432.1, NM_001408441.1 and 10 more transcripts); c.4861-836_4944+3del (NM_001407946.1, NM_001407948.1, NM_001407947.1 and 1 more transcripts); c.5062-836_5145+3del (NM_001407690.1, NM_001407691.1); and 72 more.
Identifiers: ClinVar variation 1049912 (VCV001049912.2), dbSNP rs2153352893, ClinGen allele CA2499224364.